The following is an entry in ClinVar:

ClinVar aggregate classification (germline): Uncertain significance. Review status: criteria provided, multiple submitters, no conflicts (2 of 4 stars). 2 submissions from 2 submitters: Uncertain significance (2). Last evaluated 2022-07-29.

Conditions:
Early-infantile DEE. Also called: Early infantile epileptic encephalopathy; Ohtahara syndrome; Early infantile epileptic encephalopathy with suppression bursts. Identifiers: Orphanet 1934, MedGen C0393706, MONDO:0800491.

gnomAD v4.1: 1 of 1,611,608 alleles (0.000062%); highest among the groups gnomAD compares: Non-Finnish European, 0.000085%; no homozygotes.

Submissions (2):

GeneDx
Classification: Uncertain significance. Last evaluated: 2022-07-29. Review status: criteria provided, single submitter. Criteria: GeneDx Variant Classification Process June 2021. Collection method: clinical testing. Allele origin: germline. Affected: yes.
Comment: Not observed at significant frequency in large population cohorts (gnomAD); In silico analysis supports that this missense variant has a deleterious effect on protein structure/function; Has not been previously published as pathogenic or benign to our knowledge

Labcorp Genetics (formerly Invitae), Labcorp
Classification: Uncertain significance for Early-infantile DEE. Last evaluated: 2021-12-22. Review status: criteria provided, single submitter. Criteria: Invitae Variant Classification Sherloc (09022015). Collection method: clinical testing. Allele origin: germline.
Comment: In summary, the available evidence is currently insufficient to determine the role of this variant in disease. Therefore, it has been classified as a Variant of Uncertain Significance. Algorithms developed to predict the effect of missense changes on protein structure and function are either unavailable or do not agree on the potential impact of this missense change (SIFT: "Deleterious"; PolyPhen-2: "Benign"; Align-GVGD: "Class C35"). This variant has not been reported in the literature in individuals affected with HCN1-related conditions. This variant is not present in population databases (gnomAD no frequency). This sequence change replaces glutamic acid, which is acidic and polar, with aspartic acid, which is acidic and polar, at codon 446 of the HCN1 protein (p.Glu446Asp).

NM_021072.4(HCN1):c.1338G>T (p.Glu446Asp)

Gene: HCN1 (hyperpolarization activated cyclic nucleotide gated potassium channel 1; minus strand). Cytogenetic location: 5p12.
Variant type: single nucleotide variant.
Coding change: c.1338G>T on transcript NM_021072.4 (MANE Select); coding-DNA position 1338, G replaced by T.
Protein change: p.Glu446Asp; replaces glutamic acid 446 with aspartic acid.
Molecular consequence: missense variant.
Genome position (GRCh38, 1-based): chr5:45,353,139, C>A on the plus strand (G>T on the coding strand, the complement: HCN1 is on the minus strand). VCF-style: chr5-45353139-C-A. GRCh37 (hg19) VCF-style: chr5-45353241-C-A.
Other names: short protein forms E446D.
Identifiers: ClinVar variation 1699526 (VCV001699526.7), dbSNP rs878855067, ClinGen allele CA359702036.